The following is an entry in ClinVar:

ClinVar aggregate classification (germline): Uncertain significance. Review status: criteria provided, multiple submitters, no conflicts (2 of 4 stars). 2 submissions from 2 submitters: Uncertain significance (2). Last evaluated 2026-02-11.

Conditions:
Neuroblastoma, susceptibility to, 1. Identifiers: MedGen C2749485, MONDO:0009741, OMIM 256700.

Allele frequency attached by ClinVar (database versions not stated): TOPMed below 0.00001; ExAC 0.00001.
gnomAD v4.1: 5 of 1,613,070 alleles (0.00031%); highest among the groups gnomAD compares: Admixed American, 0.0017%; no homozygotes.

Submissions (2):

St. Jude Molecular Pathology, St. Jude Children's Research Hospital
Classification: Uncertain significance for Neuroblastoma, susceptibility to, 1. Last evaluated: 2026-02-11. Review status: criteria provided, single submitter. Criteria: St. Jude Assertion Criteria 2020. Collection method: clinical testing. Allele origin: germline.
Comment: The KIF1B c.5185C>T p.(Arg1729Cys) missense change has a maximum subpopulation frequency of 0.0032% in gnomAD v2.1.1. The in silico tool REVEL is inconclusive about a pathogenic or benign effect of this variant on protein function, and to our knowledge functional studies have not been performed. To our knowledge, this variant has not been reported in the literature in individuals with pheochromocytoma or neuroblastoma. In summary, the evidence currently available is insufficient to determine the clinical significance of this variant. It has therefore been classified as of uncertain significance.

Ambry Genetics
Classification: Uncertain significance. Last evaluated: 2025-10-14. Review status: criteria provided, single submitter. Criteria: Ambry Variant Classification Scheme 2023. Collection method: clinical testing. Allele origin: germline.
Comment: The p.R1729C variant (also known as c.5185C>T), located in coding exon 45 of the KIF1B gene, results from a C to T substitution at nucleotide position 5185. The arginine at codon 1729 is replaced by cysteine, an amino acid with highly dissimilar properties. This amino acid position is highly conserved in available vertebrate species. In addition, the in silico prediction for this alteration is inconclusive. The evidence for this gene-disease relationship is limited; therefore, the clinical significance of this alteration is unclear.

NM_001365951.3(KIF1B):c.5323C>T (p.Arg1775Cys)

Gene: KIF1B (kinesin family member 1B; plus strand). Cytogenetic location: 1p36.22.
Variant type: single nucleotide variant.
Coding change: c.5323C>T on transcript NM_001365951.3 (MANE Select); coding-DNA position 5323, C replaced by T.
Protein change: p.Arg1775Cys; replaces arginine 1775 with cysteine.
Molecular consequence: missense variant.
Genome position (GRCh38, 1-based): chr1:10,375,288, C>T. VCF-style: chr1-10375288-C-T. GRCh37 (hg19) VCF-style: chr1-10435346-C-T.
Other names: c.5323C>T, p.Arg1775Cys (NM_001365952.1); c.5185C>T, p.Arg1729Cys (NM_015074.3); short protein forms R1729C, R1775C.
Identifiers: ClinVar variation 1745880 (VCV001745880.4), dbSNP rs769837316, ClinGen allele CA582317.